The following is an entry in ClinVar:

NM_006767.4(LZTR1):c.1109G>T (p.Gly370Val)

Gene: LZTR1 (leucine zipper like post translational regulator 1; plus strand). Cytogenetic location: 22q11.21.
Variant type: single nucleotide variant.
Coding change: c.1109G>T on transcript NM_006767.4 (MANE Select); coding-DNA position 1109, G replaced by T.
Protein change: p.Gly370Val; replaces glycine 370 with valine.
Molecular consequence: missense variant.
Genome position (GRCh38, 1-based): chr22:20,992,329, G>T. VCF-style: chr22-20992329-G-T. GRCh37 (hg19) VCF-style: chr22-21346618-G-T.
Other names: short protein forms G370V.
Identifiers: ClinVar variation 3541556 (VCV003541556.1).

ClinVar aggregate classification (germline): Uncertain significance (1 of 4 stars; one submission).

Conditions:
Hereditary cancer-predisposing syndrome. Also called: Hereditary Cancer Syndrome; Hereditary neoplastic syndrome; Tumor predisposition; Neoplastic Syndromes, Hereditary. Identifiers: Orphanet 140162, MedGen C0027672, MeSH D009386, MONDO:0015356.
Cardiovascular phenotype. Identifiers: MedGen CN230736.

Submission:

Ambry Genetics
Classification: Uncertain significance for Cardiovascular phenotype; Hereditary cancer-predisposing syndrome. Last evaluated: 2024-10-13. Review status: criteria provided, single submitter. Criteria: Ambry Variant Classification Scheme 2023. Collection method: clinical testing. Allele origin: germline.
Comment: The p.G370V variant (also known as c.1109G>T), located in coding exon 10 of the LZTR1 gene, results from a G to T substitution at nucleotide position 1109. The glycine at codon 370 is replaced by valine, an amino acid with dissimilar properties. This amino acid position is conserved. In addition, the in silico prediction for this alteration is inconclusive. Based on the available evidence, the clinical significance of this variant remains unclear.